The following is an entry in ClinVar:

NM_020366.4(RPGRIP1):c.1544C>A (p.Thr515Asn)

Gene: RPGRIP1 (RPGR interacting protein 1; plus strand). Cytogenetic location: 14q11.2.
Variant type: single nucleotide variant.
Coding change: c.1544C>A on transcript NM_020366.4 (MANE Select); coding-DNA position 1544, C replaced by A.
Protein change: p.Thr515Asn; replaces threonine 515 with asparagine.
Molecular consequence: missense variant. On other transcripts: 5 prime UTR variant (1).
Genome position (GRCh38, 1-based): chr14:21,321,335, C>A. VCF-style: chr14-21321335-C-A. GRCh37 (hg19) VCF-style: chr14-21789494-C-A.
Other names: c.470C>A, p.Thr157Asn (NM_001377523.1, NM_001377948.1, NM_001377949.1 and 1 more transcripts); c.-29C>A (NM_001377951.1); short protein forms T515N, T157N.
Identifiers: ClinVar variation 1354955 (VCV001354955.5), dbSNP rs762856248, ClinGen allele CA7089002.

ClinVar aggregate classification (germline): Uncertain significance (1 of 4 stars; one submission).

Conditions:
Leber congenital amaurosis 6 (LCA6). Identifiers: Orphanet 65, MedGen C1854260, MONDO:0013446, OMIM 613826.
Cone-rod dystrophy 13 (CORD13). Identifiers: Orphanet 1872, MedGen C2750720, MONDO:0011987, OMIM 608194.

Allele frequency attached by ClinVar (database versions not stated): gnomAD exomes below 0.00001 and 0.00001; ExAC 0.00001; gnomAD 0.00001.
gnomAD v4.1: 5 of 1,613,756 alleles (0.00031%); highest among the groups gnomAD compares: Admixed American, 0.0017%; no homozygotes.

Submission:

Labcorp Genetics (formerly Invitae), Labcorp
Classification: Uncertain significance for Leber congenital amaurosis 6; Cone-rod dystrophy 13. Last evaluated: 2021-09-24. Review status: criteria provided, single submitter. Criteria: Invitae Variant Classification Sherloc (09022015). Collection method: clinical testing. Allele origin: germline.
Comment: This sequence change replaces threonine with asparagine at codon 515 of the RPGRIP1 protein (p.Thr515Asn). The threonine residue is highly conserved and there is a small physicochemical difference between threonine and asparagine. This variant is present in population databases (rs762856248, ExAC 0.002%). This variant has not been reported in the literature in individuals with RPGRIP1-related conditions. Algorithms developed to predict the effect of missense changes on protein structure and function are either unavailable or do not agree on the potential impact of this missense change (SIFT: "Tolerated"; PolyPhen-2: "Probably Damaging"; Align-GVGD: "Class C0"). In summary, the available evidence is currently insufficient to determine the role of this variant in disease. Therefore, it has been classified as a Variant of Uncertain Significance.